The following is an entry in ClinVar:

NM_001042492.3(NF1):c.2325G>A (p.Glu775=)

Gene: NF1 (neurofibromin 1; plus strand). Cytogenetic location: 17q11.2.
Variant type: single nucleotide variant.
Coding change: c.2325G>A on transcript NM_001042492.3 (MANE Select); coding-DNA position 2325, G replaced by A.
Protein change: p.Glu775=; no amino-acid change (glutamic acid 775 retained).
Molecular consequence: synonymous variant.
Genome position (GRCh38, 1-based): chr17:31,227,291, G>A. VCF-style: chr17-31227291-G-A. GRCh37 (hg19) VCF-style: chr17-29554309-G-A.
Other names: c.2325G>A, p.Glu775= (NM_000267.4).
Identifiers: ClinVar variation 485955 (VCV000485955.22), dbSNP rs1555613932, ClinGen allele CA499225961.

ClinVar aggregate classification (germline): Pathogenic/Likely pathogenic. Review status: criteria provided, multiple submitters, no conflicts (2 of 4 stars). 7 submissions from 7 submitters: Pathogenic (4); Likely pathogenic (3). Last evaluated 2026-07-08.

Conditions:
Neurofibromatosis, type 1 (NF1). Also called: VON RECKLINGHAUSEN DISEASE; Neurofibromatosis, type I; Peripheral type neurofibromatosis; NEUROFIBROMATOSIS, TYPE I, SOMATIC. Identifiers: Orphanet 636, MedGen C0027831, MONDO:0018975, OMIM 162200. Disease mechanism: loss of function.
Hereditary cancer-predisposing syndrome. Also called: Neoplastic Syndromes, Hereditary; Hereditary neoplastic syndrome; Hereditary Cancer Syndrome; Tumor predisposition. Identifiers: Orphanet 140162, MedGen C0027672, MeSH D009386, MONDO:0015356.
Cardiovascular phenotype. Identifiers: MedGen CN230736.

Submissions (7):

Ambry Genetics
Classification: Pathogenic for Cardiovascular phenotype; Hereditary cancer-predisposing syndrome. Last evaluated: 2026-07-08. Review status: criteria provided, single submitter. Criteria: Ambry Variant Classification Scheme 2023. Collection method: clinical testing. Allele origin: germline.
Comment: The c.2325G>A pathogenic mutation (also known as p.E775E), located in coding exon 19 of the NF1 gene, results from a G to A substitution at nucleotide position 2325. This nucleotide substitution does not change the glutamate at codon 775. However, this change occurs in the last base pair of coding exon 19, which makes it likely to have some effect on normal mRNA splicing. This variant was reported in individual(s) with features consistent with neurofibromatosis type 1 and an individual with malignant peripheral nerve sheath tumors (Knewitz DK et al. Sarcoma, 2021 Oct;2021:9386823; Ambry internal data). This nucleotide position is highly conserved in available vertebrate species. In silico splice site analysis predicts that this alteration will weaken the native splice donor site. RNA studies have demonstrated that this variant results in abnormal splicing (Douben H et al. Hum Mutat, 2023 Feb;2023:9628049; Ambry internal data). This variant is considered to be rare based on population cohorts in the Genome Aggregation Database (gnomAD). Based on the supporting evidence, this variant is interpreted as a disease-causing mutation.

Dasa
Classification: Likely pathogenic. Last evaluated: 2026-04-23. Review status: criteria provided, single submitter. Criteria: DASA Assertion Criteria. Collection method: clinical testing. Allele origin: germline.
Comment: NM_001042492.3(NF1):c.2325G>A (p.Glu775=) is a synonymous variant predicted not to alter the encoded amino acid sequence. The affected residue or protein region has prior evidence supporting clinical relevance. This variant has been reported in individuals with NF1-related disorders (PMID: 34646065). Also, this variant is rare in population databases. Computational evidence supports a deleterious effect. Based on the currently available evidence, this variant is classified as likely pathogenic.

NHS Central & South Genomic Laboratory Hub
Classification: Pathogenic for Neurofibromatosis type 1. Last evaluated: 2025-06-05. Review status: criteria provided, single submitter. Criteria: ACMG Guidelines, 2015. Collection method: clinical testing. Allele origin: germline. Affected: yes.

GeneDx
Classification: Pathogenic. Last evaluated: 2025-01-19. Review status: criteria provided, single submitter. Criteria: GeneDx Variant Classification Process June 2021. Collection method: clinical testing. Allele origin: germline.
Comment: Alters the last nucleotide of the exon and is predicted to destroy the splice donor site and result in aberrant splicing, which functional studies support (Douben H et al. (2023) Hindawi Human Mutation. 2023 (Article ID 9628049):1-14); Observed in individuals with a personal or family history consistent with pathogenic variants in this gene (PMID: 34646065); Not observed at significant frequency in large population cohorts (gnomAD); This variant is associated with the following publications: (PMID: 34646065, Douben2023[Functional study], 27322474)

Labcorp Genetics (formerly Invitae), Labcorp
Classification: Pathogenic for Neurofibromatosis, type 1. Last evaluated: 2022-10-13. Review status: criteria provided, single submitter. Criteria: Invitae Variant Classification Sherloc (09022015). Collection method: clinical testing. Allele origin: germline.
Comment: This variant has been observed in individual(s) with neurofibromatosis type 1 (Invitae). This variant is not present in population databases (gnomAD no frequency). This sequence change affects codon 775 of the NF1 mRNA. It is a 'silent' change, meaning that it does not change the encoded amino acid sequence of the NF1 protein. RNA analysis indicates that this variant induces altered splicing and may result in an absent or disrupted protein product. ClinVar contains an entry for this variant (Variation ID: 485955). For these reasons, this variant has been classified as Pathogenic. This variant disrupts the c.2325G nucleotide in the NF1 gene. Other variant(s) that disrupt this nucleotide have been determined to be pathogenic (PMID: 18546366, 27322474). This suggests that this nucleotide is clinically significant, and that variants that disrupt this position are likely to be disease-causing. Variants that disrupt the consensus splice site are a relatively common cause of aberrant splicing (PMID: 17576681, 9536098). Studies have shown that this variant results in skipping of exon 19 and introduces a premature termination codon (Invitae). The resulting mRNA is expected to undergo nonsense-mediated decay.

Genome Diagnostics Laboratory, The Hospital for Sick Children
Classification: Likely pathogenic for Neurofibromatosis, type 1. Last evaluated: 2020-10-26. Review status: criteria provided, single submitter. Criteria: ACMG Guidelines, 2015. Collection method: clinical testing. Allele origin: germline. Affected: yes.

Center for Human Genetics, Inc
Classification: Likely pathogenic for Neurofibromatosis, type 1. Last evaluated: 2016-11-01. Review status: criteria provided, single submitter. Criteria: ACMG Guidelines, 2015. Collection method: clinical testing. Allele origin: germline. Affected: yes.

Literature cited by the submitters: PubMed 18546366 (cited by Ambry Genetics and Labcorp Genetics (formerly Invitae), Labcorp); PubMed 26740943 (cited by Ambry Genetics); PubMed 27322474 (cited by Ambry Genetics and Labcorp Genetics (formerly Invitae), Labcorp); PubMed 34646065 (cited by Ambry Genetics and Dasa); PubMed 40225167 (cited by Ambry Genetics); PubMed 17576681 (cited by Labcorp Genetics (formerly Invitae), Labcorp); PubMed 9536098 (cited by Labcorp Genetics (formerly Invitae), Labcorp).